The following is an entry in ClinVar:

ClinVar aggregate classification (germline): Uncertain significance (1 of 4 stars; one submission).

gnomAD v4.1: 3 of 1,210,070 alleles (0.00025%); highest among the groups gnomAD compares: Non-Finnish European, 0.00034%; no homozygotes.

Submission:

Labcorp Genetics (formerly Invitae), Labcorp
Classification: Uncertain significance. Last evaluated: 2025-09-14. Review status: criteria provided, single submitter. Criteria: Invitae Variant Classification Sherloc (09022015). Collection method: clinical testing. Allele origin: germline.
Comment: This sequence change replaces asparagine, which is neutral and polar, with isoleucine, which is neutral and non-polar, at codon 1839 of the USP9X protein (p.Asn1839Ile). This variant is not present in population databases (gnomAD no frequency). This variant has not been reported in the literature in individuals affected with USP9X-related conditions. An algorithm developed to predict the effect of missense changes on protein structure and function (PolyPhen-2) suggests that this variant is likely to be tolerated. In summary, the available evidence is currently insufficient to determine the role of this variant in disease. Therefore, it has been classified as a Variant of Uncertain Significance.

NM_001039591.3(USP9X):c.5516A>T (p.Asn1839Ile)

Gene: USP9X (ubiquitin specific peptidase 9 X-linked; plus strand). Cytogenetic location: Xp11.4.
Variant type: single nucleotide variant.
Coding change: c.5516A>T on transcript NM_001039591.3 (MANE Select); coding-DNA position 5516, A replaced by T.
Protein change: p.Asn1839Ile; replaces asparagine 1839 with isoleucine.
Molecular consequence: missense variant.
Genome position (GRCh38, 1-based): chrX:41,216,083, A>T. VCF-style: chrX-41216083-A-T. GRCh37 (hg19) VCF-style: chrX-41075336-A-T.
Other names: c.5516A>T, p.Asn1839Ile (NM_001039590.3); c.5531A>T, p.Asn1844Ile (NM_001410748.1, NM_001410749.1, NM_001437534.1); short protein forms N1844I, N1839I.
Identifiers: ClinVar variation 4696681 (VCV004696681.1).